The following is an entry in ClinVar:

ClinVar aggregate classification (germline): Conflicting classifications of pathogenicity. Review status: criteria provided, conflicting classifications (1 of 4 stars). 2 submissions from 2 submitters: Uncertain significance (1); Benign (1). Last evaluated 2025-09-25.

Conditions:
Hereditary cancer-predisposing syndrome. Also called: Hereditary neoplastic syndrome; Neoplastic Syndromes, Hereditary; Tumor predisposition; Hereditary Cancer Syndrome. Identifiers: Orphanet 140162, MedGen C0027672, MeSH D009386, MONDO:0015356.
Fanconi anemia complementation group O. Also called: RAD51C-Related Fanconi Anemia. Identifiers: Orphanet 84, MedGen C3150653, MONDO:0013248, OMIM 613390.

Submissions (2):

Ambry Genetics
Classification: Benign for Hereditary cancer-predisposing syndrome. Last evaluated: 2025-09-25. Review status: criteria provided, single submitter. Criteria: Ambry Variant Classification Scheme 2023. Collection method: clinical testing. Allele origin: germline.

Labcorp Genetics (formerly Invitae), Labcorp
Classification: Uncertain significance for Fanconi anemia complementation group O. Last evaluated: 2022-01-26. Review status: criteria provided, single submitter. Criteria: Invitae Variant Classification Sherloc (09022015). Collection method: clinical testing. Allele origin: germline.
Comment: In summary, the available evidence is currently insufficient to determine the role of this variant in disease. Therefore, it has been classified as a Variant of Uncertain Significance. Algorithms developed to predict the effect of missense changes on protein structure and function (SIFT, PolyPhen-2, Align-GVGD) all suggest that this variant is likely to be tolerated. ClinVar contains an entry for this variant (Variation ID: 1009003). This variant has not been reported in the literature in individuals affected with RAD51C-related conditions. This variant is not present in population databases (gnomAD no frequency). This sequence change replaces alanine, which is neutral and non-polar, with serine, which is neutral and polar, at codon 35 of the RAD51C protein (p.Ala35Ser).

NM_058216.3(RAD51C):c.103G>T (p.Ala35Ser)

Gene: RAD51C (RAD51 paralog C; plus strand). Cytogenetic location: 17q22.
Variant type: single nucleotide variant.
Coding change: c.103G>T on transcript NM_058216.3 (MANE Select); coding-DNA position 103, G replaced by T.
Protein change: p.Ala35Ser; replaces alanine 35 with serine.
Molecular consequence: missense variant. On other transcripts: non-coding transcript variant (1).
Genome position (GRCh38, 1-based): chr17:58,692,746, G>T. VCF-style: chr17-58692746-G-T. GRCh37 (hg19) VCF-style: chr17-56770107-G-T.
Other names: c.103G>T (NM_058216.1); c.103G>T, p.Ala35Ser (NM_002876.4); short protein forms A35S.
Identifiers: ClinVar variation 1009003 (VCV001009003.11), dbSNP rs1432320770, ClinGen allele CA400337369.